The following is an entry in ClinVar:

NM_001430.5(EPAS1):c.1864G>C (p.Gly622Arg)

Gene: EPAS1 (endothelial PAS domain protein 1; plus strand). Cytogenetic location: 2p21.
Variant type: single nucleotide variant.
Coding change: c.1864G>C on transcript NM_001430.5 (MANE Select); coding-DNA position 1864, G replaced by C.
Protein change: p.Gly622Arg; replaces glycine 622 with arginine.
Molecular consequence: missense variant.
Genome position (GRCh38, 1-based): chr2:46,380,536, G>C. VCF-style: chr2-46380536-G-C. GRCh37 (hg19) VCF-style: chr2-46607675-G-C.
Other names: short protein forms G622R.
Identifiers: ClinVar variation 1781561 (VCV001781561.2), dbSNP rs2546477452, ClinGen allele CA346705041.

ClinVar aggregate classification (germline): Uncertain significance (1 of 4 stars; one submission).

Conditions:
Inborn genetic diseases. Identifiers: MedGen C0950123, MeSH D030342.

Submission:

Ambry Genetics
Classification: Uncertain significance for Inborn genetic diseases. Last evaluated: 2022-04-27. Review status: criteria provided, single submitter. Criteria: Ambry Variant Classification Scheme 2023. Collection method: clinical testing. Allele origin: germline.
Comment: The p.G622R variant (also known as c.1864G>C), located in coding exon 12 of the EPAS1 gene, results from a G to C substitution at nucleotide position 1864. The glycine at codon 622 is replaced by arginine, an amino acid with dissimilar properties. This amino acid position is conserved. In addition, this alteration is predicted to be tolerated by in silico analysis. Since supporting evidence is limited at this time, the clinical significance of this alteration remains unclear.